The following is an entry in ClinVar:

NM_001130987.2(DYSF):c.2284C>T (p.Arg762Cys)

Gene: DYSF (dysferlin; plus strand). Cytogenetic location: 2p13.2.
Variant type: single nucleotide variant.
Coding change: c.2284C>T on transcript NM_001130987.2 (MANE Select); coding-DNA position 2284, C replaced by T.
Protein change: p.Arg762Cys; replaces arginine 762 with cysteine.
Molecular consequence: missense variant.
Genome position (GRCh38, 1-based): chr2:71,561,819, C>T. VCF-style: chr2-71561819-C-T. GRCh37 (hg19) VCF-style: chr2-71788949-C-T.
Other names: c.2284C>T (NM_001130987.1); c.2233C>T, p.Arg745Cys (NM_001130455.2, NM_001130983.2); c.2188C>T, p.Arg730Cys (NM_001130976.2, NM_001130977.2); c.2230C>T, p.Arg744Cys (NM_001130978.2, NM_003494.4); c.2323C>T, p.Arg775Cys (NM_001130979.2); c.2281C>T, p.Arg761Cys (NM_001130980.2, NM_001130981.2); c.2326C>T, p.Arg776Cys (NM_001130982.2); c.2191C>T, p.Arg731Cys (NM_001130984.2, NM_001130986.2); and 1 more; short protein forms R744C, R762C, R731C, R745C, R730C, R761C, R775C, R776C.
Identifiers: ClinVar variation 285643 (VCV000285643.51), dbSNP rs181551438, ClinGen allele CA1706115.

ClinVar aggregate classification (germline): Conflicting classifications of pathogenicity. Review status: criteria provided, conflicting classifications (1 of 4 stars). 7 submissions from 7 submitters: Likely pathogenic (1); Uncertain significance (5). 1 of the submissions does not count toward it. Last evaluated 2025-08-23.

Conditions:
Neuromuscular disease caused by qualitative or quantitative defects of dysferlin. Also called: Qualitative or quantitative defects of dysferlin; Dysferlinopathy. Identifiers: Orphanet 207073, MedGen C2931687, MONDO:0016145.
Autosomal recessive limb-girdle muscular dystrophy type 2B (LGMDR2). Also called: MUSCULAR DYSTROPHY, LIMB-GIRDLE, TYPE 3; Limb-Girdle Muscular Dystrophy Type 2B (LGMD2B); Limb-girdle muscular dystrophy, type 2B; MUSCULAR DYSTROPHY, LIMB-GIRDLE, AUTOSOMAL RECESSIVE 2. Identifiers: Orphanet 268, MedGen C1850889, MONDO:0009676, OMIM 253601.
Inborn genetic diseases. Identifiers: MedGen C0950123, MeSH D030342.

Allele frequency attached by ClinVar (database versions not stated): ExAC 0.00002; gnomAD exomes 0.00003; TOPMed 0.00003; gnomAD 0.00004 and 0.00005; 1000 Genomes Project 30x 0.00016; 1000 Genomes Project 0.00020.
gnomAD v4.1: 60 of 1,614,174 alleles (0.0037%); highest among the groups gnomAD compares: South Asian, 0.0088%; no homozygotes.

Submissions (7):

Ambry Genetics
Classification: Uncertain significance for Inborn genetic diseases. Last evaluated: 2025-08-23. Review status: criteria provided, single submitter. Criteria: Ambry Variant Classification Scheme 2023. Collection method: clinical testing. Allele origin: germline.

Labcorp Genetics (formerly Invitae), Labcorp
Classification: Uncertain significance for Neuromuscular disease caused by qualitative or quantitative defects of dysferlin. Last evaluated: 2022-07-25. Review status: criteria provided, single submitter. Criteria: Invitae Variant Classification Sherloc (09022015). Collection method: clinical testing. Allele origin: germline.
Comment: This sequence change replaces arginine, which is basic and polar, with cysteine, which is neutral and slightly polar, at codon 744 of the DYSF protein (p.Arg744Cys). This variant is present in population databases (rs181551438, gnomAD 0.02%). This variant has not been reported in the literature in individuals affected with DYSF-related conditions. ClinVar contains an entry for this variant (Variation ID: 285643). Advanced modeling of protein sequence and biophysical properties (such as structural, functional, and spatial information, amino acid conservation, physicochemical variation, residue mobility, and thermodynamic stability) performed at Invitae indicates that this missense variant is expected to disrupt DYSF protein function. In summary, the available evidence is currently insufficient to determine the role of this variant in disease. Therefore, it has been classified as a Variant of Uncertain Significance.

CeGaT Center for Human Genetics Tuebingen
Classification: Uncertain significance. Last evaluated: 2019-12-01. Review status: criteria provided, single submitter. Criteria: CeGaT Center For Human Genetics Tuebingen Variant Classification Criteria Version 2. Collection method: clinical testing. Allele origin: germline. Affected: yes. Observed: 1 variant allele.

GeneDx
Classification: Uncertain significance. Last evaluated: 2017-07-27. Review status: criteria provided, single submitter. Criteria: GeneDx Variant Classification (06012015). Collection method: clinical testing. Allele origin: germline. Affected: yes.
Comment: The R744C variant has not been published as a pathogenic variant, nor has it been reported as a benign variant to our knowledge. The R744C variant is not observed at a significant frequency in large population cohorts (Lek et al., 2016; 1000 Genomes Consortium et al., 2015; Exome Variant Server). This variant is a non-conservative amino acid substitution, which is likely to impact secondary protein structure as these residues differ in polarity, charge, size and/or other properties. This substitution occurs at a position that is conserved across species, and in silico analysis predicts this variant is probably damaging to the protein structure/function. However, missense variants in nearby residues have not been reported in the Human Gene Mutation Database in association with DYSF-related disorders (Stenson et al., 2014).

Eurofins Ntd Llc (ga)
Classification: Uncertain significance. Last evaluated: 2016-01-26. Review status: criteria provided, single submitter. Criteria: EGL Classification Definitions 2015. Collection method: clinical testing. Allele origin: germline. Observed: 1 variant allele, 1 heterozygote.

Clinical Genetics Service, Universitary Hospital 12 de Octubre
Classification: Likely pathogenic for Autosomal recessive limb-girdle muscular dystrophy type 2B. Review status: criteria provided, single submitter. Criteria: ACMG Guidelines, 2015. Collection method: clinical testing. Allele origin: germline. Affected: yes.

Natera, Inc.
Classification: Uncertain significance for Limb-girdle muscular dystrophy type 2B. Last evaluated: 2020-09-16. Review status: no assertion criteria provided. Collection method: clinical testing. Allele origin: germline. Not counted in ClinVar's aggregate classification.